The following is an entry in ClinVar:

ClinVar aggregate classification (germline): Uncertain significance (1 of 4 stars; one submission).

Conditions:
Gorlin syndrome. Also called: Nevoid Basal Cell Carcinoma Syndrome; Basal cell nevus syndrome. Identifiers: Orphanet 377, MedGen C0004779, MONDO:0007187.

Submission:

Labcorp Genetics (formerly Invitae), Labcorp
Classification: Uncertain significance for Gorlin syndrome. Last evaluated: 2026-02-03. Review status: criteria provided, single submitter. Criteria: Invitae Variant Classification Sherloc (09022015). Collection method: clinical testing. Allele origin: germline.
Comment: This sequence change replaces valine, which is neutral and non-polar, with leucine, which is neutral and non-polar, at codon 130 of the PTCH1 protein (p.Val130Leu). This variant is not present in population databases (gnomAD no frequency). This variant has not been reported in the literature in individuals affected with PTCH1-related conditions. Invitae Evidence Modeling of protein sequence and biophysical properties (such as structural, functional, and spatial information, amino acid conservation, physicochemical variation, residue mobility, and thermodynamic stability) has been performed for this missense variant. However, the output from this modeling did not meet the statistical confidence thresholds required to predict the impact of this variant on PTCH1 protein function. In summary, the available evidence is currently insufficient to determine the role of this variant in disease. Therefore, it has been classified as a Variant of Uncertain Significance.

NM_000264.5(PTCH1):c.388G>T (p.Val130Leu)

Gene: PTCH1 (patched 1; minus strand). Cytogenetic location: 9q22.32.
Variant type: single nucleotide variant.
Coding change: c.388G>T on transcript NM_000264.5 (MANE Select); coding-DNA position 388, G replaced by T.
Protein change: p.Val130Leu; replaces valine 130 with leucine.
Molecular consequence: missense variant. On other transcripts: 5 prime UTR variant (4), non-coding transcript variant (1).
Genome position (GRCh38, 1-based): chr9:95,506,413, C>A on the plus strand (G>T on the coding strand, the complement: PTCH1 is on the minus strand). VCF-style: chr9-95506413-C-A. GRCh37 (hg19) VCF-style: chr9-98268695-C-A.
Other names: c.190G>T, p.Val64Leu (NM_001083602.3, NM_001354919.2); c.385G>T, p.Val129Leu (NM_001083603.3); c.-66G>T (NM_001083604.3, NM_001083605.3, NM_001083606.3 and 1 more transcripts); c.388G>T, p.Val130Leu (NM_001354918.2); short protein forms V129L, V130L, V64L.
Identifiers: ClinVar variation 4797442 (VCV004797442.1).